The following is an entry in ClinVar:

NM_001370595.2(COA8):c.409G>C (p.Glu137Gln)

Gene: COA8 (cytochrome c oxidase assembly factor 8; plus strand). Cytogenetic location: 14q32.33.
Variant type: single nucleotide variant.
Coding change: c.409G>C on transcript NM_001370595.2 (MANE Select); coding-DNA position 409, G replaced by C.
Protein change: p.Glu137Gln; replaces glutamic acid 137 with glutamine.
Molecular consequence: missense variant. On other transcripts: non-coding transcript variant (2).
Genome position (GRCh38, 1-based): chr14:103,587,297, G>C. VCF-style: chr14-103587297-G-C. GRCh37 (hg19) VCF-style: chr14-104053634-G-C.
Other names: c.448G>C (NM_032374.3); c.497G>C, p.Arg166Thr (NM_001302653.2); short protein forms R166T, E137Q.
Identifiers: ClinVar variation 2163392 (VCV002163392.5), dbSNP rs758818892, ClinGen allele CA7365602.

ClinVar aggregate classification (germline): Uncertain significance. Review status: criteria provided, multiple submitters, no conflicts (2 of 4 stars). 2 submissions from 2 submitters: Uncertain significance (2). Last evaluated 2025-04-02.

Conditions:
Inborn genetic diseases. Identifiers: MedGen C0950123, MeSH D030342.

Allele frequency attached by ClinVar (database versions not stated): gnomAD exomes 0.00004; TOPMed 0.00005; gnomAD 0.00003; ExAC 0.00004.
gnomAD v4.1: 62 of 1,613,488 alleles (0.0038%); highest among the groups gnomAD compares: Middle Eastern, 0.066%; 1 homozygote.

Submissions (2):

Ambry Genetics
Classification: Uncertain significance for Inborn genetic diseases. Last evaluated: 2025-04-02. Review status: criteria provided, single submitter. Criteria: Ambry Variant Classification Scheme 2023. Collection method: clinical testing. Allele origin: germline.

Labcorp Genetics (formerly Invitae), Labcorp
Classification: Uncertain significance. Last evaluated: 2023-12-18. Review status: criteria provided, single submitter. Criteria: Invitae Variant Classification Sherloc (09022015). Collection method: clinical testing. Allele origin: germline.
Comment: This sequence change replaces glutamic acid, which is acidic and polar, with glutamine, which is neutral and polar, at codon 150 of the APOPT1 protein (p.Glu150Gln). This variant is present in population databases (rs758818892, gnomAD 0.01%). This variant has not been reported in the literature in individuals affected with APOPT1-related conditions. ClinVar contains an entry for this variant (Variation ID: 2163392). An algorithm developed to predict the effect of missense changes on protein structure and function (PolyPhen-2) suggests that this variant is likely to be disruptive. In summary, the available evidence is currently insufficient to determine the role of this variant in disease. Therefore, it has been classified as a Variant of Uncertain Significance.